The following continues an entry in ClinVar:

NM_000257.4(MYH7):c.1988G>A (p.Arg663His)

Gene: MYH7. ClinVar aggregate classification (germline): Pathogenic. Pathogenic (1).

Submissions 28 to 36 of 36:

Agnes Ginges Centre for Molecular Cardiology, Centenary Institute
Classification: Pathogenic for Familial hypertrophic cardiomyopathy 1. Review status: criteria provided, single submitter. Criteria: Agnes Ginges Centre for Molecular Cardiology criteria (2015). Collection method: research. Allele origin: germline. Inheritance: Autosomal dominant inheritance. Affected: yes. Not counted in ClinVar's aggregate classification.
Comment: This MYH7 Arg663His variant is a well described HCM causing mutation. Genetic screening in HCM cohorts from various ethnic populations have identified this mutation in multiple unrelated probands (see references). Haplotype analysis has shown that this mutation is not a founder mutation, but rather, this position is a mutational hotspot (Van Driest SL, et al., 2004; Song L, et al., 2005). Mutations at this position which result in different amino acid substitutions have also been detected in HCM patients (Richard P, et al., 2003; Van Driest SL, et al., 2004; Song L, et al., 2005). Familial analysis has shown co-segregation of the variant with disease, however, disease penetrance is incomplete and the phenotype can be variable (Gruver EJ, et al., 1999; Keller DI, et al., 2009). Studies in pediatric HCM cohorts have identified this mutation to be a shared genetic cause of early-onset and adult-onset cardiomyopathy (Morita H, et al., 2008). Functional studies by Lan F, et al. (2013) using patient specific iPSC cardiomyocytes from carriers of this mutation recapitulate disease characteristics including hypertrophy and arrhythmia. To date, we have identified this mutation in 3 index cases with HCM and one possible case of HCM. Based on segregation analysis and the available literature, we classify this variant as "pathogenic".

Genetics and Genomics Program, Sidra Medicine
Classification: Likely pathogenic for Hypertrophic cardiomyopathy. Review status: criteria provided, single submitter. Criteria: ACMG Guidelines, 2015. Collection method: research. Allele origin: unknown. Affected: yes. Observed: 1 variant allele. Not counted in ClinVar's aggregate classification.

Juno Genomics, Hangzhou Juno Genomics, Inc
Classification: Pathogenic for Dilated cardiomyopathy 1S; Hypertrophic cardiomyopathy 1; MYH7-related skeletal myopathy; Myosin storage myopathy; Myopathy, myosin storage, autosomal recessive. Review status: criteria provided, single submitter. Criteria: ACMG Guidelines, 2015. Collection method: clinical testing. Allele origin: germline. Not counted in ClinVar's aggregate classification.
Comment: The prevalence of the variant in affected individuals is significantly increased compared to the prevalence in controls.;Co-segregation with disease in multiple affected family members.;Located in a mutational hot spot and/or critical and well-established functional domain without benign variation.;Novel missense change at an amino acid residue where a different missense change determined to be pathogenic has been seen before.;Multiple lines of computational evidence support a deleterious effect on the gene or gene product.;Absent from controls (or at extremely low frequency if recessive) in Genome Aggregation Database.

Laboratory of Genetics and Molecular Cardiology, University of São Paulo
Classification: Likely pathogenic for Hypertrophic cardiomyopathy 1. Review status: criteria provided, single submitter. Criteria: LGCM Criteria August 2015. Collection method: clinical testing. Allele origin: germline. Inheritance: Autosomal dominant inheritance. Affected: yes. Observed: 3 variant alleles. Study: Sarcomeric Human Cardiomyopathy Registry (ShaRe). Not counted in ClinVar's aggregate classification.

Clinical Molecular Genetics Laboratory, Johns Hopkins All Children's Hospital
Classification: Pathogenic. Last evaluated: 2016-12-28. Review status: no assertion criteria provided. Collection method: clinical testing. Allele origin: germline. Not counted in ClinVar's aggregate classification.

Division of Human Genetics, Children's Hospital of Philadelphia
Classification: Pathogenic for Hypertrophic cardiomyopathy 1; Myosin storage myopathy; MYH7-related skeletal myopathy; Dilated cardiomyopathy 1S; Myopathy, myosin storage, autosomal recessive. Last evaluated: 2016-03-24. Review status: no assertion criteria provided. Collection method: research. Allele origin: maternal. Affected: yes. Study: CSER-PediSeq. Not counted in ClinVar's aggregate classification.

CSER _CC_NCGL, University of Washington
Classification: Likely pathogenic for Cardiomyopathy, hypertrophic. Last evaluated: 2014-06-01. Review status: no assertion criteria provided. Collection method: research. Allele origin: germline. Inheritance: Autosomal dominant inheritance. Study: ESP 6500 variant annotation. Not counted in ClinVar's aggregate classification.
Comment: Variants classified for the Actionable exomic incidental findings in 6503 participants: challenges of variant classification manuscript

Clinical Genetics DNA and cytogenetics Diagnostics Lab, Erasmus MC, Erasmus Medical Center
Classification: Pathogenic. Review status: no assertion criteria provided. Collection method: clinical testing. Allele origin: germline. Affected: yes. Study: VKGL Data-share Consensus. Not counted in ClinVar's aggregate classification.

Joint Genome Diagnostic Labs from Nijmegen and Maastricht, Radboudumc and MUMC+
Classification: Pathogenic. Review status: no assertion criteria provided. Collection method: clinical testing. Allele origin: germline. Affected: yes. Study: VKGL Data-share Consensus. Not counted in ClinVar's aggregate classification.

Literature cited by the submitters: PubMed 16199542 (cited by 8 submitters); PubMed 12707239 (cited by 8 submitters); PubMed 15358028 (cited by 8 submitters); PubMed 15563892 (cited by 7 submitters); PubMed 10750581 (cited by 12 submitters); PubMed 11133230 (cited by 8 submitters); PubMed 27532257 (cited by 6 submitters); PubMed 29300372 (cited by 5 submitters); PubMed 12820698 (cited by 6 submitters); PubMed 23283745 (cited by 5 submitters); PubMed 23290139 (cited by 9 submitters); PubMed 23396983 (cited by 3 submitters); PubMed 26914223 (cited by 3 submitters); PubMed 15858117 (cited by Labcorp Genetics (formerly Invitae), Labcorp); PubMed 18383048 (cited by 3 submitters); PubMed 20800588 (cited by Labcorp Genetics (formerly Invitae), Labcorp); PubMed 22112859 (cited by Labcorp Genetics (formerly Invitae), Labcorp); PubMed 23233322 (cited by Labcorp Genetics (formerly Invitae), Labcorp); PubMed 23690394 (cited by Labcorp Genetics (formerly Invitae), Labcorp); PubMed 24714796 (cited by Victorian Clinical Genetics Services, Murdoch Childrens Research Institute); PubMed 18403758 (cited by 5 submitters); PubMed 24093860 (cited by 3 submitters); PubMed 24793961 (cited by All of Us Research Program, National Institutes of Health and Ambry Genetics); PubMed 25086479 (cited by All of Us Research Program, National Institutes of Health); PubMed 29907873 (cited by All of Us Research Program, National Institutes of Health and AiLife Diagnostics); PubMed 31513939 (cited by All of Us Research Program, National Institutes of Health and AiLife Diagnostics); PubMed 31737537 (cited by All of Us Research Program, National Institutes of Health and AiLife Diagnostics); PubMed 31931472 (cited by All of Us Research Program, National Institutes of Health and AiLife Diagnostics); PubMed 29121657 (cited by 3 submitters); PubMed 32492895 (cited by Mayo Clinic Laboratories, Mayo Clinic); PubMed 30297972 (cited by 3billion); PubMed 17125710 (cited by 3 submitters); PubMed 18374998 (cited by 4 submitters); PubMed 21959974 (cited by Ambry Genetics and Agnes Ginges Centre for Molecular Cardiology, Centenary Institute); PubMed 22857948 (cited by Ambry Genetics); PubMed 23299917 (cited by 3 submitters); PubMed 25637381 (cited by Ambry Genetics and AiLife Diagnostics); PubMed 26936621 (cited by Ambry Genetics); PubMed 30217213 (cited by AiLife Diagnostics); PubMed 27247418 (cited by AiLife Diagnostics); PubMed 21310275 (cited by AiLife Diagnostics); PubMed 31006259 (cited by AiLife Diagnostics); PubMed 32284968 (cited by AiLife Diagnostics); PubMed 25132132 (cited by AiLife Diagnostics and Division of Human Genetics, Children's Hospital of Philadelphia); PubMed 31447099 (cited by AiLife Diagnostics); PubMed 10725281 (cited by Women's Health and Genetics/Laboratory Corporation of America, LabCorp); PubMed 19150014 (cited by Women's Health and Genetics/Laboratory Corporation of America, LabCorp); PubMed 11723028 (cited by Women's Health and Genetics/Laboratory Corporation of America, LabCorp); PubMed 18533079 (cited by Women's Health and Genetics/Laboratory Corporation of America, LabCorp); PubMed 9835779 (cited by Women's Health and Genetics/Laboratory Corporation of America, LabCorp); PubMed 12081993 (cited by Women's Health and Genetics/Laboratory Corporation of America, LabCorp); PubMed 17560888 (cited by Women's Health and Genetics/Laboratory Corporation of America, LabCorp); PubMed 10328076 (cited by Women's Health and Genetics/Laboratory Corporation of America, LabCorp); PubMed 11498078 (cited by Women's Health and Genetics/Laboratory Corporation of America, LabCorp); PubMed 7731997 (cited by Women's Health and Genetics/Laboratory Corporation of America, LabCorp).